The following is an entry in ClinVar:

ClinVar aggregate classification (germline): Uncertain significance. Review status: criteria provided, multiple submitters, no conflicts (2 of 4 stars). 2 submissions from 2 submitters: Uncertain significance (2). Last evaluated 2025-09-10.

Conditions:
LRRC45-related disorder. Also called: LRRC45-related condition.

gnomAD v4.1: 5 of 1,536,386 alleles (0.00033%); highest among the groups gnomAD compares: South Asian, 0.0012%; no homozygotes.

Submissions (2):

PreventionGenetics, part of Exact Sciences
Classification: Uncertain significance for LRRC45-related condition. Last evaluated: 2025-09-10. Review status: criteria provided, single submitter. Criteria: ACMG Guidelines, 2015. Collection method: clinical testing. Allele origin: germline.
Comment: The LRRC45 c.1645C>T variant is predicted to result in the amino acid substitution p.Arg549Trp. To our knowledge, this variant has not been reported in the literature. This variant is reported in 0.0040% of alleles in individuals of European (Non-Finnish) descent in gnomAD. At this time, the clinical significance of this variant is uncertain due to the absence of conclusive functional and genetic evidence.

Ambry Genetics
Classification: Uncertain significance. Last evaluated: 2025-03-23. Review status: criteria provided, single submitter. Criteria: Ambry Variant Classification Scheme 2023. Collection method: clinical testing. Allele origin: germline.

NM_144999.4(LRRC45):c.1645C>T (p.Arg549Trp)

Gene: LRRC45 (leucine rich repeat containing 45; plus strand). Cytogenetic location: 17q25.3.
Variant type: single nucleotide variant.
Coding change: c.1645C>T on transcript NM_144999.4 (MANE Select); coding-DNA position 1645, C replaced by T.
Protein change: p.Arg549Trp; replaces arginine 549 with tryptophan.
Molecular consequence: missense variant.
Genome position (GRCh38, 1-based): chr17:82,030,215, C>T. VCF-style: chr17-82030215-C-T. GRCh37 (hg19) VCF-style: chr17-79988091-C-T.
Other names: c.1645C>T (NM_144999.3); short protein forms R549W.
Identifiers: ClinVar variation 4049177 (VCV004049177.2).
Genomic context (GRCh38, chr17:82,030,215, plus strand): 5'-GTGGTGGCCGAGGCCCAGACCCGGGTCAGCCAGCTGGGCCTGCAAGTTGAGGGCCTGCGG[C>T]GGCGCCTGGAAGAGCTGCAGCAGGTAGGCGGGGCTCCGGTGGGGGGCCCCGGGCGTGCTA-3'
Protein context (NP_659436.1, residues 539-559): QLGLQVEGLR[Arg549Trp]RLEELQQELS